The following is an entry in ClinVar:

ClinVar aggregate classification (germline): Uncertain significance. Review status: criteria provided, multiple submitters, no conflicts (2 of 4 stars). 2 submissions from 2 submitters: Uncertain significance (2). Last evaluated 2025-04-14.

Conditions:
Inborn genetic diseases. Identifiers: MedGen C0950123, MeSH D030342.

Allele frequency attached by ClinVar (database versions not stated): ExAC 0.00001; gnomAD 0.00001; gnomAD exomes 0.00002; TOPMed 0.00003.
gnomAD v4.1: 35 of 1,614,036 alleles (0.0022%); highest among the groups gnomAD compares: Admixed American, 0.0067%; no homozygotes.

Submissions (2):

Labcorp Genetics (formerly Invitae), Labcorp
Classification: Uncertain significance. Last evaluated: 2025-04-14. Review status: criteria provided, single submitter. Criteria: Invitae Variant Classification Sherloc (09022015). Collection method: clinical testing. Allele origin: germline.
Comment: This sequence change replaces proline, which is neutral and non-polar, with leucine, which is neutral and non-polar, at codon 1500 of the SRCAP protein (p.Pro1500Leu). This variant is present in population databases (rs770748860, gnomAD 0.006%). This variant has not been reported in the literature in individuals affected with SRCAP-related conditions. ClinVar contains an entry for this variant (Variation ID: 1486912). Invitae Evidence Modeling of protein sequence and biophysical properties (such as structural, functional, and spatial information, amino acid conservation, physicochemical variation, residue mobility, and thermodynamic stability) indicates that this missense variant is not expected to disrupt SRCAP protein function with a negative predictive value of 80%. In summary, the available evidence is currently insufficient to determine the role of this variant in disease. Therefore, it has been classified as a Variant of Uncertain Significance.

Ambry Genetics
Classification: Uncertain significance for Inborn genetic diseases. Last evaluated: 2023-09-25. Review status: criteria provided, single submitter. Criteria: Ambry Variant Classification Scheme 2023. Collection method: clinical testing. Allele origin: germline.

NM_006662.3(SRCAP):c.4499C>T (p.Pro1500Leu)

Gene: SRCAP (Snf2 related CREBBP activator protein; plus strand). Cytogenetic location: 16p11.2.
Variant type: single nucleotide variant.
Coding change: c.4499C>T on transcript NM_006662.3 (MANE Select); coding-DNA position 4499, C replaced by T.
Protein change: p.Pro1500Leu; replaces proline 1500 with leucine.
Molecular consequence: missense variant.
Genome position (GRCh38, 1-based): chr16:30,723,923, C>T. VCF-style: chr16-30723923-C-T. GRCh37 (hg19) VCF-style: chr16-30735244-C-T.
Other names: c.4499C>T (NM_006662.2); short protein forms P1500L.
Identifiers: ClinVar variation 1486912 (VCV001486912.7), dbSNP rs770748860, ClinGen allele CA8011760.